The following is an entry in ClinVar:

ClinVar aggregate classification (germline): Uncertain significance (1 of 4 stars; one submission).

Allele frequency attached by ClinVar (database versions not stated): gnomAD exomes 0.00001 and 0.00004; ExAC 0.00002.
gnomAD v4.1: 9 of 1,613,782 alleles (0.00056%); highest among the groups gnomAD compares: Admixed American, 0.012%; no homozygotes.

Submission:

Labcorp Genetics (formerly Invitae), Labcorp
Classification: Uncertain significance. Last evaluated: 2023-12-11. Review status: criteria provided, single submitter. Criteria: Invitae Variant Classification Sherloc (09022015). Collection method: clinical testing. Allele origin: germline.
Comment: This sequence change replaces leucine, which is neutral and non-polar, with phenylalanine, which is neutral and non-polar, at codon 3604 of the PCLO protein (p.Leu3604Phe). This variant is present in population databases (rs751783652, gnomAD 0.02%). This variant has not been reported in the literature in individuals affected with PCLO-related conditions. ClinVar contains an entry for this variant (Variation ID: 1503921). Experimental studies and prediction algorithms are not available or were not evaluated, and the functional significance of this variant is currently unknown. In summary, the available evidence is currently insufficient to determine the role of this variant in disease. Therefore, it has been classified as a Variant of Uncertain Significance.

NM_033026.6(PCLO):c.10810C>T (p.Leu3604Phe)

Gene: PCLO (piccolo presynaptic cytomatrix protein; minus strand). Cytogenetic location: 7q21.11.
Variant type: single nucleotide variant.
Coding change: c.10810C>T on transcript NM_033026.6 (MANE Select); coding-DNA position 10810, C replaced by T.
Protein change: p.Leu3604Phe; replaces leucine 3604 with phenylalanine.
Molecular consequence: missense variant.
Genome position (GRCh38, 1-based): chr7:82,949,778, G>A on the plus strand (C>T on the coding strand, the complement: PCLO is on the minus strand). VCF-style: chr7-82949778-G-A. GRCh37 (hg19) VCF-style: chr7-82579094-G-A.
Other names: c.10810C>T, p.Leu3604Phe (NM_014510.3); short protein forms L3604F.
Identifiers: ClinVar variation 1503921 (VCV001503921.4), dbSNP rs751783652, ClinGen allele CA4319678.